The following is an entry in ClinVar:

ClinVar aggregate classification (germline): Uncertain significance (1 of 4 stars; one submission).

Allele frequency attached by ClinVar (database versions not stated): ExAC 0.00002; gnomAD exomes 0.00003; gnomAD 0.00001; TOPMed 0.00002.
gnomAD v4.1: 49 of 1,614,042 alleles (0.003%); highest among the groups gnomAD compares: Non-Finnish European, 0.0038%; no homozygotes.

Submission:

Labcorp Genetics (formerly Invitae), Labcorp
Classification: Uncertain significance. Last evaluated: 2022-12-15. Review status: criteria provided, single submitter. Criteria: Invitae Variant Classification Sherloc (09022015). Collection method: clinical testing. Allele origin: germline.
Comment: In summary, the available evidence is currently insufficient to determine the role of this variant in disease. Therefore, it has been classified as a Variant of Uncertain Significance. Algorithms developed to predict the effect of missense changes on protein structure and function are either unavailable or do not agree on the potential impact of this missense change (SIFT: "Tolerated"; PolyPhen-2: "Possibly Damaging"; Align-GVGD: "Class C0"). This variant has not been reported in the literature in individuals affected with NCKAP1L-related conditions. This variant is present in population databases (rs775506512, gnomAD 0.005%). This sequence change replaces valine, which is neutral and non-polar, with glutamic acid, which is acidic and polar, at codon 440 of the NCKAP1L protein (p.Val440Glu).

NM_005337.5(NCKAP1L):c.1319T>A (p.Val440Glu)

Gene: NCKAP1L (NCK associated protein 1 like; plus strand). Cytogenetic location: 12q13.2.
Variant type: single nucleotide variant.
Coding change: c.1319T>A on transcript NM_005337.5 (MANE Select); coding-DNA position 1319, T replaced by A.
Protein change: p.Val440Glu; replaces valine 440 with glutamic acid.
Molecular consequence: missense variant.
Genome position (GRCh38, 1-based): chr12:54,517,919, T>A. VCF-style: chr12-54517919-T-A. GRCh37 (hg19) VCF-style: chr12-54911703-T-A.
Other names: c.1169T>A, p.Val390Glu (NM_001184976.2); short protein forms V440E, V390E.
Identifiers: ClinVar variation 2046212 (VCV002046212.4), dbSNP rs775506512, ClinGen allele CA6609101.